The following is an entry in ClinVar:

ClinVar aggregate classification (germline): Uncertain significance. Review status: criteria provided, multiple submitters, no conflicts (2 of 4 stars). 3 submissions from 3 submitters: Uncertain significance (2). 1 of the submissions does not count toward it. Last evaluated 2025-12-17.

Conditions:
Primary ciliary dyskinesia. Also called: Ciliary dyskinesia. Identifiers: Orphanet 244, MedGen C0008780, MONDO:0016575, HP:0012265.
Primary ciliary dyskinesia 3. Identifiers: Orphanet 244, MedGen C1837618, MONDO:0012085, OMIM 608644.

Allele frequency attached by ClinVar (database versions not stated): gnomAD 0.00001; gnomAD exomes 0.00001; TOPMed 0.00001.
gnomAD v4.1: 11 of 1,613,816 alleles (0.00068%); highest among the groups gnomAD compares: Non-Finnish European, 0.00093%; no homozygotes.

Submissions (3):

Myriad Genetics, Inc.
Classification: Uncertain significance for Primary ciliary dyskinesia 3. Last evaluated: 2025-12-17. Review status: criteria provided, single submitter. Criteria: Myriad Autosomal Dominant, Autosomal Recessive and X-Linked Classification Criteria (2023). Collection method: clinical testing. Allele origin: unknown.
Comment: NM_001369.2(DNAH5):c.560A>T(E187V) is a missense variant classified as a variant of uncertain significance in the context of primary ciliary dyskinesia, DNAH5-related. E187V has not been observed in cases with relevant disease. Relevant functional assessments of this variant are not available in the literature. E187V has not been observed in referenced population frequency databases. In summary, there is insufficient evidence to classify NM_001369.2(DNAH5):c.560A>T(E187V) as pathogenic or benign. Please note: this variant was assessed in the context of healthy population screening.

Labcorp Genetics (formerly Invitae), Labcorp
Classification: Uncertain significance for Primary ciliary dyskinesia. Last evaluated: 2025-01-20. Review status: criteria provided, single submitter. Criteria: Invitae Variant Classification Sherloc (09022015). Collection method: clinical testing. Allele origin: germline.
Comment: This sequence change replaces glutamic acid, which is acidic and polar, with valine, which is neutral and non-polar, at codon 187 of the DNAH5 protein (p.Glu187Val). This variant is present in population databases (no rsID available, gnomAD 0.007%). This variant has not been reported in the literature in individuals affected with DNAH5-related conditions. ClinVar contains an entry for this variant (Variation ID: 454786). Invitae Evidence Modeling of protein sequence and biophysical properties (such as structural, functional, and spatial information, amino acid conservation, physicochemical variation, residue mobility, and thermodynamic stability) indicates that this missense variant is not expected to disrupt DNAH5 protein function with a negative predictive value of 95%. In summary, the available evidence is currently insufficient to determine the role of this variant in disease. Therefore, it has been classified as a Variant of Uncertain Significance.

Natera, Inc.
Classification: Uncertain significance for Primary ciliary dyskinesia. Last evaluated: 2020-12-10. Review status: no assertion criteria provided. Collection method: clinical testing. Allele origin: germline. Not counted in ClinVar's aggregate classification.

NM_001369.3(DNAH5):c.560A>T (p.Glu187Val)

Gene: DNAH5 (dynein axonemal heavy chain 5; minus strand). Cytogenetic location: 5p15.2.
Variant type: single nucleotide variant.
Coding change: c.560A>T on transcript NM_001369.3 (MANE Select); coding-DNA position 560, A replaced by T.
Protein change: p.Glu187Val; replaces glutamic acid 187 with valine.
Molecular consequence: missense variant.
Genome position (GRCh38, 1-based): chr5:13,922,207, T>A on the plus strand (A>T on the coding strand, the complement: DNAH5 is on the minus strand). VCF-style: chr5-13922207-T-A. GRCh37 (hg19) VCF-style: chr5-13922316-T-A.
Other names: short protein forms E187V.
Identifiers: ClinVar variation 454786 (VCV000454786.12), dbSNP rs1214362304, ClinGen allele CA359222660.